The following is an entry in ClinVar:

ClinVar aggregate classification (germline): Uncertain significance. Review status: criteria provided, multiple submitters, no conflicts (2 of 4 stars). 2 submissions from 2 submitters: Uncertain significance (2). Last evaluated 2024-05-14.

Conditions:
Malignant hyperthermia, susceptibility to, 1 (MHS1). Also called: Anesthesia related hyperthermia; Malignant hyperpyrexia; Fulminating hyperpyrexia; Pharmacogenic myopathy; RYR1-Related Malignant Hyperthermia Susceptibility; Malignant hyperthermia suceptibility 1. Identifiers: Orphanet 423, MedGen C2930980, MONDO:0007783, OMIM 145600.

Allele frequency attached by ClinVar (database versions not stated): gnomAD exomes below 0.00001; ExAC 0.00002.

Submissions (2):

All of Us Research Program, National Institutes of Health
Classification: Uncertain significance for Malignant hyperthermia, susceptibility to, 1. Last evaluated: 2024-05-14. Review status: criteria provided, single submitter. Criteria: ACMG Guidelines, 2015. Collection method: clinical testing. Allele origin: germline. Inheritance: Autosomal dominant inheritance. Observed: 2 variant alleles, 2 heterozygotes.
Comment: This missense variant replaces valine with alanine at codon 173 of the RYR1 protein. Computational prediction suggests that this variant may have deleterious impact on protein structure and function (internally defined REVEL score threshold >= 0.7, PMID: 27666373). To our knowledge, functional studies have not been reported for this variant. This variant has not been reported in individuals affected with RYR1-related disorders in the literature. This variant has been identified in 1/251276 chromosomes in the general population by the Genome Aggregation Database (gnomAD). The available evidence is insufficient to determine the role of this variant in disease conclusively. Therefore, this variant is classified as a Variant of Uncertain Significance.

This study involves interpretation of variants in research participants for the purpose of population health screening. Participant phenotype was not available at the time of variant classification. Additional details can be found in publication PMID: 35346344, PMCID: PMC8962531

PreventionGenetics, part of Exact Sciences
Classification: Uncertain significance. Last evaluated: 2013-10-17. Review status: criteria provided, single submitter. Criteria: ACMG Guidelines, 2015. Collection method: clinical testing. Allele origin: germline.

NM_000540.3(RYR1):c.518T>C (p.Val173Ala)

Gene: RYR1 (ryanodine receptor 1; plus strand). Cytogenetic location: 19q13.2.
Variant type: single nucleotide variant.
Coding change: c.518T>C on transcript NM_000540.3 (MANE Select); coding-DNA position 518, T replaced by C.
Protein change: p.Val173Ala; replaces valine 173 with alanine.
Molecular consequence: missense variant.
Genome position (GRCh38, 1-based): chr19:38,444,242, T>C. VCF-style: chr19-38444242-T-C. GRCh37 (hg19) VCF-style: chr19-38934882-T-C.
Other names: c.518T>C, p.Val173Ala (NM_001042723.2); short protein forms V173A.
Identifiers: ClinVar variation 590554 (VCV000590554.4), dbSNP rs763950469, ClinGen allele CA066743.